The following is an entry in ClinVar:

NM_138713.4(NFAT5):c.437C>T (p.Thr146Ile)

Gene: NFAT5 (nuclear factor of activated T cells 5; plus strand). Cytogenetic location: 16q22.1.
Variant type: single nucleotide variant.
Coding change: c.437C>T on transcript NM_138713.4 (MANE Select); coding-DNA position 437, C replaced by T.
Protein change: p.Thr146Ile; replaces threonine 146 with isoleucine.
Molecular consequence: missense variant. On other transcripts: intron variant (1).
Genome position (GRCh38, 1-based): chr16:69,647,211, C>T. VCF-style: chr16-69647211-C-T. GRCh37 (hg19) VCF-style: chr16-69681114-C-T.
Other names: c.437C>T, p.Thr146Ile (NM_001113178.3); c.383C>T, p.Thr128Ile (NM_006599.4); c.155C>T, p.Thr52Ile (NM_138714.4, NM_173214.3, NM_173215.3); c.140+44C>T (NM_001367709.1); short protein forms T52I, T146I, T128I.
Identifiers: ClinVar variation 2757355 (VCV002757355.3), dbSNP rs143475718, ClinGen allele CA8135362.
Genomic context (GRCh38, chr16:69,647,211, plus strand): 5'-GCTCCTCAGCCGTGGGGGTAAGTAACAGAGGGGTAAGTGAAAAGCAGTTAACCAGTAACA[C>T]AGTTCAGCAGCATCCATCAACACCGAAGAGGCACACAGTCTTGTACATCTCACCACCACC-3'
Protein context (NP_619727.2, residues 136-156): GVSEKQLTSN[Thr146Ile]VQQHPSTPKR

ClinVar aggregate classification (germline): Uncertain significance (1 of 4 stars; one submission).

Conditions:
Immunodeficiency. Identifiers: MedGen C0021051, MONDO:0021094, HP:0002721.

Allele frequency attached by ClinVar (database versions not stated): ExAC 0.00001; gnomAD 0.00001; gnomAD exomes 0.00001; TOPMed 0.00001; ESP Exome Variant Server 0.00008.
gnomAD v4.1: 14 of 1,613,884 alleles (0.00087%); highest among the groups gnomAD compares: Non-Finnish European, 0.0012%; no homozygotes.

Submission:

Labcorp Genetics (formerly Invitae), Labcorp
Classification: Uncertain significance for Immunodeficiency. Last evaluated: 2024-10-18. Review status: criteria provided, single submitter. Criteria: Invitae Variant Classification Sherloc (09022015). Collection method: clinical testing. Allele origin: germline.
Comment: This sequence change replaces threonine, which is neutral and polar, with isoleucine, which is neutral and non-polar, at codon 52 of the NFAT5 protein (p.Thr52Ile). This variant is present in population databases (rs143475718, gnomAD 0.002%). This variant has not been reported in the literature in individuals affected with NFAT5-related conditions. An algorithm developed to predict the effect of missense changes on protein structure and function (PolyPhen-2) suggests that this variant is likely to be disruptive. In summary, the available evidence is currently insufficient to determine the role of this variant in disease. Therefore, it has been classified as a Variant of Uncertain Significance.